The following is an entry in ClinVar:

NM_000051.4(ATM):c.404C>G (p.Ala135Gly)

Gene: ATM (ATM serine/threonine kinase; plus strand). Cytogenetic location: 11q22.3.
Variant type: single nucleotide variant.
Coding change: c.404C>G on transcript NM_000051.4 (MANE Select); coding-DNA position 404, C replaced by G.
Protein change: p.Ala135Gly; replaces alanine 135 with glycine.
Molecular consequence: missense variant.
Genome position (GRCh38, 1-based): chr11:108,235,742, C>G. VCF-style: chr11-108235742-C-G. GRCh37 (hg19) VCF-style: chr11-108106469-C-G.
Other names: c.404C>G, p.Ala135Gly (NM_001351834.2); short protein forms A135G.
Identifiers: ClinVar variation 524270 (VCV000524270.12), dbSNP rs1555059254, ClinGen allele CA382524996.

ClinVar aggregate classification (germline): Uncertain significance. Review status: criteria provided, multiple submitters, no conflicts (2 of 4 stars). 2 submissions from 2 submitters: Uncertain significance (2). Last evaluated 2019-06-07.

Conditions:
Hereditary cancer-predisposing syndrome. Also called: Neoplastic Syndromes, Hereditary; Tumor predisposition; Hereditary Cancer Syndrome; Hereditary neoplastic syndrome. Identifiers: Orphanet 140162, MedGen C0027672, MeSH D009386, MONDO:0015356.
Ataxia-telangiectasia syndrome (AT). Also called: ATAXIA-TELANGIECTASIA, COMPLEMENTATION GROUP A; ATAXIA-TELANGIECTASIA, FRESNO VARIANT; Ataxia-telangiectasia; Ataxia-telangiectasia, complementation group D; AT, COMPLEMENTATION GROUP C; Ataxia-telangiectasia, complementation group E. Identifiers: Orphanet 100, MedGen C0004135, MONDO:0008840, OMIM 208900.

Submissions (2):

Ambry Genetics
Classification: Uncertain significance for Hereditary cancer-predisposing syndrome. Last evaluated: 2019-06-07. Review status: criteria provided, single submitter. Criteria: Ambry Variant Classification Scheme 2023. Collection method: clinical testing. Allele origin: germline.
Comment: The p.A135G variant (also known as c.404C>G), located in coding exon 4 of the ATM gene, results from a C to G substitution at nucleotide position 404. The alanine at codon 135 is replaced by glycine, an amino acid with similar properties. This amino acid position is poorly conserved in available vertebrate species. In addition, this alteration is predicted to be tolerated by in silico analysis. Since supporting evidence is limited at this time, the clinical significance of this alteration remains unclear.

Labcorp Genetics (formerly Invitae), Labcorp
Classification: Uncertain significance for Ataxia-telangiectasia syndrome. Last evaluated: 2017-10-10. Review status: criteria provided, single submitter. Criteria: Invitae Variant Classification Sherloc (09022015). Collection method: clinical testing. Allele origin: germline.
Comment: This variant is not present in population databases (ExAC no frequency). This sequence change replaces alanine with glycine at codon 135 of the ATM protein (p.Ala135Gly). The alanine residue is weakly conserved and there is a small physicochemical difference between alanine and glycine. Algorithms developed to predict the effect of sequence changes on RNA splicing suggest that this variant may create or strengthen a splice site, but this prediction has not been confirmed by published transcriptional studies. Algorithms developed to predict the effect of missense changes on protein structure and function (SIFT, PolyPhen-2, Align-GVGD) all suggest that this variant is likely to be tolerated, but these predictions have not been confirmed by published functional studies and their clinical significance is uncertain. This variant has not been reported in the literature in individuals with ATM-related disease. In summary, the available evidence is currently insufficient to determine the role of this variant in disease. Therefore, it has been classified as a Variant of Uncertain Significance.